The following is an entry in ClinVar:

ClinVar aggregate classification (germline): Pathogenic (1 of 4 stars; one submission).

Conditions:
Congenital hyperammonemia, type I. Also called: CPS I DEFICIENCY; Carbamoyl phosphate synthetase 1 deficiency; Hyperammonemia due to carbamoyl phosphate synthetase 1 deficiency; CPS 1 deficiency; Carbamyl phosphate synthetase (CPS) deficiency; Carbamoyl-phosphate synthase I deficiency. Identifiers: Orphanet 147, MedGen C4082171, MONDO:0009376, OMIM 237300.

Submission:

Labcorp Genetics (formerly Invitae), Labcorp
Classification: Pathogenic for Congenital hyperammonemia, type I. Last evaluated: 2024-01-16. Review status: criteria provided, single submitter. Criteria: Invitae Variant Classification Sherloc (09022015). Collection method: clinical testing. Allele origin: germline.
Comment: This sequence change creates a premature translational stop signal (p.Leu1134Valfs*5) in the CPS1 gene. It is expected to result in an absent or disrupted protein product. Loss-of-function variants in CPS1 are known to be pathogenic (PMID: 21120950). This variant is not present in population databases (gnomAD no frequency). This variant has not been reported in the literature in individuals affected with CPS1-related conditions. Algorithms developed to predict the effect of sequence changes on RNA splicing suggest that this variant may disrupt the consensus splice site. For these reasons, this variant has been classified as Pathogenic.

Literature cited by the submitters: PubMed 21120950.

NM_001875.5(CPS1):c.3399_3402del (p.Leu1134fs)

Gene: CPS1 (carbamoyl-phosphate synthase 1; plus strand). Cytogenetic location: 2q34.
Variant type: Deletion.
Coding change: c.3399_3402del on transcript NM_001875.5 (MANE Select); coding-DNA positions 3399 to 3402, 4 bases deleted (TTTG; older notation c.3399_3402delTTTG).
Protein change: p.Leu1134fs; shifts the reading frame from leucine 1134.
Molecular consequence: frameshift variant. On other transcripts: non-coding transcript variant (2).
Genome position (GRCh38, 1-based): chr2:210,648,535-210,648,538, TTTG deleted. VCF-style (leftmost placement, unchanged base first): chr2-210648534-TTTTG-T. GRCh37 (hg19) VCF-style: chr2-211513258-TTTTG-T.
Other names: c.3399_3402del, p.Leu1134fs (NM_001122633.3, NM_001369257.1); c.3432_3435del, p.Leu1145fs (NM_001369256.1); short protein forms L1134fs, L1145fs.
Identifiers: ClinVar variation 2709633 (VCV002709633.3), dbSNP rs2469295737, ClinGen allele CA2697550413.